The following is an entry in ClinVar:

ClinVar aggregate classification (germline): Uncertain significance (1 of 4 stars; one submission).

gnomAD v4.1: 3 of 1,614,098 alleles (0.00019%); highest among the groups gnomAD compares: South Asian, 0.0022%; no homozygotes.

Submission:

CeGaT Center for Human Genetics Tuebingen
Classification: Uncertain significance. Last evaluated: 2022-11-01. Review status: criteria provided, single submitter. Criteria: CeGaT Center For Human Genetics Tuebingen Variant Classification Criteria Version 2. Collection method: clinical testing. Allele origin: germline. Affected: yes. Observed: 1 variant allele.
Comment: CFAP58: PM2

NM_001008723.2(CFAP58):c.2300G>A (p.Arg767His)

Gene: CFAP58 (cilia and flagella associated protein 58; plus strand). Cytogenetic location: 10q25.1.
Variant type: single nucleotide variant.
Coding change: c.2300G>A on transcript NM_001008723.2 (MANE Select); coding-DNA position 2300, G replaced by A.
Protein change: p.Arg767His; replaces arginine 767 with histidine.
Molecular consequence: missense variant.
Genome position (GRCh38, 1-based): chr10:104,447,741, G>A. VCF-style: chr10-104447741-G-A. GRCh37 (hg19) VCF-style: chr10-106207499-G-A.
Other names: c.2246G>A, p.Arg749His (NM_001400226.1, NM_001400227.1); short protein forms R749H, R767H.
Identifiers: ClinVar variation 2640816 (VCV002640816.24), dbSNP rs776932226, ClinGen allele CA378200287.